The following is an entry in ClinVar:

NM_014915.3(ANKRD26):c.1421T>G (p.Leu474Arg)

Gene: ANKRD26 (ankyrin repeat domain containing 26; minus strand). Cytogenetic location: 10p12.1.
Variant type: single nucleotide variant.
Coding change: c.1421T>G on transcript NM_014915.3 (MANE Select); coding-DNA position 1421, T replaced by G.
Protein change: p.Leu474Arg; replaces leucine 474 with arginine.
Molecular consequence: missense variant.
Genome position (GRCh38, 1-based): chr10:27,061,185, A>C on the plus strand (T>G on the coding strand, the complement: ANKRD26 is on the minus strand). VCF-style: chr10-27061185-A-C. GRCh37 (hg19) VCF-style: chr10-27350114-A-C.
Other names: c.1421T>G, p.Leu474Arg (NM_001256053.2); short protein forms L474R.
Identifiers: ClinVar variation 4103674 (VCV004103674.1).
Genomic context (GRCh38, chr10:27,061,185, plus strand): 5'-ACGCATTTTTTTTCCATACCCATGTGGGCTACTGGCATGCCTACATTTCTTGTATCCTCT[A>C]GTTTAGCCATCTTAAAGTTTCTTGATCCACTCATGCAAGAAGGTATATAAAACACATCTA-3'
Protein context (NP_055730.2, residues 464-484): SGSRNFKMAK[Leu474Arg]EDTRNVGMPV

ClinVar aggregate classification (germline): Uncertain significance (1 of 4 stars; one submission).

Conditions:
Inborn genetic diseases. Identifiers: MedGen C0950123, MeSH D030342.

Submission:

Ambry Genetics
Classification: Uncertain significance for Inborn genetic diseases. Last evaluated: 2025-07-22. Review status: criteria provided, single submitter. Criteria: Ambry Variant Classification Scheme 2023. Collection method: clinical testing. Allele origin: germline.
Comment: The p.L474R variant (also known as c.1421T>G), located in coding exon 13 of the ANKRD26 gene, results from a T to G substitution at nucleotide position 1421. The leucine at codon 474 is replaced by arginine, an amino acid with dissimilar properties. This amino acid position is conserved. In addition, the in silico prediction for this alteration is inconclusive. Based on the available evidence, the clinical significance of this variant remains unclear.